The following is an entry in ClinVar:

NM_139318.5(KCNH5):c.501G>A (p.Thr167=)

Gene: KCNH5 (potassium voltage-gated channel subfamily H member 5; minus strand). Cytogenetic location: 14q23.2.
Variant type: single nucleotide variant.
Coding change: c.501G>A on transcript NM_139318.5 (MANE Select); coding-DNA position 501, G replaced by A.
Protein change: p.Thr167=; no amino-acid change (threonine 167 retained).
Molecular consequence: synonymous variant.
Genome position (GRCh38, 1-based): chr14:62,987,120, C>T on the plus strand (G>A on the coding strand, the complement: KCNH5 is on the minus strand). VCF-style: chr14-62987120-C-T. GRCh37 (hg19) VCF-style: chr14-63453838-C-T.
Other names: c.501G>A, p.Thr167= (NM_172375.3).
Identifiers: ClinVar variation 698591 (VCV000698591.18), dbSNP rs200714977, ClinGen allele CA7217654.

ClinVar aggregate classification (germline): Benign/Likely benign. Review status: criteria provided, multiple submitters, no conflicts (2 of 4 stars). 2 submissions from 2 submitters: Benign (1); Likely benign (1). Last evaluated 2026-06-01.

Conditions:
Early-infantile DEE. Also called: Early infantile epileptic encephalopathy with suppression bursts; Early infantile epileptic encephalopathy; Ohtahara syndrome. Identifiers: Orphanet 1934, MedGen C0393706, MONDO:0800491.

Allele frequency attached by ClinVar (database versions not stated): gnomAD 0.00004 and 0.00005; TOPMed 0.00005; ESP Exome Variant Server 0.00008; gnomAD exomes 0.00018; ExAC 0.00019; 1000 Genomes Project 0.00040; 1000 Genomes Project 30x 0.00047.
gnomAD v4.1: 100 of 1,613,544 alleles (0.0062%); highest among the groups gnomAD compares: Admixed American, 0.073%; no homozygotes.

Submissions (2):

CeGaT Center for Human Genetics Tuebingen
Classification: Likely benign. Last evaluated: 2026-06-01. Review status: criteria provided, single submitter. Criteria: CeGaT Center For Human Genetics Tuebingen Variant Classification Criteria Version 2. Collection method: clinical testing. Allele origin: germline. Affected: yes. Observed: 3 variant alleles.
Comment: KCNH5: BP4, BP7

Labcorp Genetics (formerly Invitae), Labcorp
Classification: Benign for Early-infantile DEE. Last evaluated: 2026-01-05. Review status: criteria provided, single submitter. Criteria: Invitae Variant Classification Sherloc (09022015). Collection method: clinical testing. Allele origin: germline.